The following is an entry in ClinVar:

ClinVar aggregate classification (germline): Uncertain significance. Review status: criteria provided, multiple submitters, no conflicts (2 of 4 stars). 2 submissions from 2 submitters: Uncertain significance (2). Last evaluated 2023-11-28.

Allele frequency attached by ClinVar (database versions not stated): gnomAD 0.00001; TOPMed 0.00001; ExAC 0.00002; gnomAD exomes 0.00002.
gnomAD v4.1: 18 of 1,607,240 alleles (0.0011%); highest among the groups gnomAD compares: East Asian, 0.027%; no homozygotes.

Submissions (2):

Ambry Genetics
Classification: Uncertain significance. Last evaluated: 2023-11-28. Review status: criteria provided, single submitter. Criteria: Ambry Variant Classification Scheme 2023. Collection method: clinical testing. Allele origin: germline.

Labcorp Genetics (formerly Invitae), Labcorp
Classification: Uncertain significance. Last evaluated: 2022-08-20. Review status: criteria provided, single submitter. Criteria: Invitae Variant Classification Sherloc (09022015). Collection method: clinical testing. Allele origin: germline.
Comment: This sequence change replaces threonine, which is neutral and polar, with methionine, which is neutral and non-polar, at codon 208 of the IFNAR1 protein (p.Thr208Met). This variant is present in population databases (rs767417203, gnomAD 0.02%). This variant has not been reported in the literature in individuals affected with IFNAR1-related conditions. ClinVar contains an entry for this variant (Variation ID: 1460571). Algorithms developed to predict the effect of missense changes on protein structure and function (SIFT, PolyPhen-2, Align-GVGD) all suggest that this variant is likely to be tolerated. Algorithms developed to predict the effect of sequence changes on RNA splicing suggest that this variant may disrupt the consensus splice site. In summary, the available evidence is currently insufficient to determine the role of this variant in disease. Therefore, it has been classified as a Variant of Uncertain Significance.

NM_000629.3(IFNAR1):c.623C>T (p.Thr208Met)

Gene: IFNAR1 (interferon alpha and beta receptor subunit 1; plus strand). Cytogenetic location: 21q22.11.
Variant type: single nucleotide variant.
Coding change: c.623C>T on transcript NM_000629.3 (MANE Select); coding-DNA position 623, C replaced by T.
Protein change: p.Thr208Met; replaces threonine 208 with methionine.
Molecular consequence: missense variant. On other transcripts: 5 prime UTR variant (1).
Genome position (GRCh38, 1-based): chr21:33,343,626, C>T. VCF-style: chr21-33343626-C-T. GRCh37 (hg19) VCF-style: chr21-34715932-C-T.
Other names: c.623C>T, p.Thr208Met (NM_001384498.1, NM_001384499.1, NM_001384501.1 and 1 more transcripts); c.-140C>T (NM_001384500.1); c.161C>T, p.Thr54Met (NM_001384502.1); c.416C>T, p.Thr139Met (NM_001384504.1); c.623C>T (NM_000629.2); short protein forms T139M, T208M, T54M.
Identifiers: ClinVar variation 1460571 (VCV001460571.6), dbSNP rs767417203, ClinGen allele CA10006535.